The following is an entry in ClinVar:

NM_000077.5(CDKN2A):c.331G>C (p.Gly111Arg)

Gene: CDKN2A (cyclin dependent kinase inhibitor 2A; minus strand). Cytogenetic location: 9p21.3.
Variant type: single nucleotide variant.
Coding change: c.331G>C on transcript NM_000077.5; coding-DNA position 331, G replaced by C.
Protein change: p.Gly111Arg; replaces glycine 111 with arginine.
Molecular consequence: missense variant (on NM_000077.6). On other transcripts: 3 prime UTR variant (1).
Genome position (GRCh38, 1-based): chr9:21,971,028, C>G on the plus strand (G>C on the coding strand, the complement: CDKN2A is on the minus strand). VCF-style: chr9-21971028-C-G. GRCh37 (hg19) VCF-style: chr9-21971027-C-G.
Other names: c.331G>C, p.Gly111Arg (NM_000077.6, NM_001195132.2); c.178G>C, p.Gly60Arg (NM_001363763.2); c.374G>C, p.Gly125Ala (NM_058195.4); c.*254G>C (NM_058197.5); short protein forms G111R, G125A, G60R.
Identifiers: ClinVar variation 230231 (VCV000230231.8), dbSNP rs778971134, ClinGen allele CA10578838.

ClinVar aggregate classification (germline): Uncertain significance. Review status: criteria provided, multiple submitters, no conflicts (2 of 4 stars). 2 submissions from 2 submitters: Uncertain significance (2). Last evaluated 2025-04-29.

Conditions:
Familial melanoma. Also called: Hereditary melanoma; Hereditary cutaneous melanoma. Identifiers: Orphanet 618, MedGen C1512419, MONDO:0018961.
Hereditary cancer-predisposing syndrome. Also called: Neoplastic Syndromes, Hereditary; Hereditary Cancer Syndrome; Tumor predisposition; Hereditary neoplastic syndrome. Identifiers: Orphanet 140162, MedGen C0027672, MeSH D009386, MONDO:0015356.

Submissions (2):

Labcorp Genetics (formerly Invitae), Labcorp
Classification: Uncertain significance for Familial melanoma. Last evaluated: 2025-04-29. Review status: criteria provided, single submitter. Criteria: Invitae Variant Classification Sherloc (09022015). Collection method: clinical testing. Allele origin: germline.
Comment: The CDKN2A gene encodes two different proteins, p16INK4a and p14ARF, which are translated from alternative transcripts with different open reading frames. Both transcripts have been analyzed. We report either the variant with the higher classification or default to the CDKN2A (p16INK4a) variant. This report therefore includes the details for the CDKN2A (p16INK4a) variant. This sequence change replaces glycine, which is neutral and non-polar, with arginine, which is basic and polar, at codon 111 of the CDKN2A (p16INK4a) protein (p.Gly111Arg). This variant is not present in population databases (gnomAD no frequency). This variant has not been reported in the literature in individuals affected with CDKN2A (p16INK4a)-related conditions. This variant is also known as c.374G>C (p.Gly125Ala) in the CDKN2A (p14ARF) transcript. ClinVar contains an entry for this variant (Variation ID: 230231). An algorithm developed to predict the effect of missense changes on protein structure and function (PolyPhen-2) suggests that this variant is likely to be disruptive. In summary, the available evidence is currently insufficient to determine the role of this variant in disease. Therefore, it has been classified as a Variant of Uncertain Significance.

Ambry Genetics
Classification: Uncertain significance for Hereditary cancer-predisposing syndrome. Last evaluated: 2025-01-02. Review status: criteria provided, single submitter. Criteria: Ambry Variant Classification Scheme 2023. Collection method: clinical testing. Allele origin: germline.
Comment: The p.G111R variant (also known as c.331G>C), located in coding exon 2 of the CDKN2A gene, results from a G to C substitution at nucleotide position 331. The glycine at codon 111 is replaced by arginine, an amino acid with dissimilar properties. Of note, this variant is also known as c.374G>C (p.G125A) in the p14(ARF) isoform. This variant was reported in individual(s) with features consistent with Melanoma-pancreatic cancer syndrome (Ambry internal data). This amino acid position is well conserved in available vertebrate species. In addition, the in silico prediction for this alteration is inconclusive. Based on the available evidence, the clinical significance of this variant remains unclear.